The following is an entry in ClinVar:

NM_001100.4(ACTA1):c.727G>A (p.Glu243Lys)

Gene: ACTA1 (actin alpha 1, skeletal muscle; minus strand). Cytogenetic location: 1q42.13.
Variant type: single nucleotide variant.
Coding change: c.727G>A on transcript NM_001100.4 (MANE Select); coding-DNA position 727, G replaced by A.
Protein change: p.Glu243Lys; replaces glutamic acid 243 with lysine.
Molecular consequence: missense variant.
Genome position (GRCh38, 1-based): chr1:229,432,075, C>T on the plus strand (G>A on the coding strand, the complement: ACTA1 is on the minus strand). VCF-style: chr1-229432075-C-T. GRCh37 (hg19) VCF-style: chr1-229567822-C-T.
Other names: short protein forms E243K.
Identifiers: ClinVar variation 42109 (VCV000042109.12), dbSNP rs367543051, ClinGen allele CA344563.

ClinVar aggregate classification (germline): Uncertain significance. Review status: criteria provided, single submitter (1 of 4 stars). 2 submissions from 2 submitters: Uncertain significance (1). 1 of the submissions does not count toward it. Last evaluated 2018-06-22.

Conditions:
Actin accumulation myopathy (CMYO2A). Also called: CONGENITAL MYOPATHY 2A, TYPICAL, AUTOSOMAL DOMINANT; Myopathy, actin, congenital, with cores; Nemaline myopathy 3, with intranuclear rods; Nemaline myopathy type 3; Myopathy, actin, congenital, with excess of thin myofilaments. Identifiers: Orphanet 98904, MedGen C3711389, MONDO:0008070, OMIM 161800.
Congenital myopathy with fiber type disproportion. Also called: Congenital fiber-type disproportion; Congenital fiber-type disproportion myopathy. Identifiers: Orphanet 2020, MedGen C0546264, MONDO:0009711. Inheritance: all.

Submissions (2):

Labcorp Genetics (formerly Invitae), Labcorp
Classification: Uncertain significance for Actin accumulation myopathy. Last evaluated: 2018-06-22. Review status: criteria provided, single submitter. Criteria: Invitae Variant Classification Sherloc (09022015). Collection method: clinical testing. Allele origin: germline.
Comment: This sequence change replaces glutamic acid with lysine at codon 243 of the ACTA1 protein (p.Glu243Lys). The glutamic acid residue is moderately conserved and there is a small physicochemical difference between glutamic acid and lysine. In summary, the available evidence is currently insufficient to determine the role of this variant in disease. Therefore, it has been classified as a Variant of Uncertain Significance. Algorithms developed to predict the effect of missense changes on protein structure and function are either unavailable or do not agree on the potential impact of this missense change (SIFT: "Tolerated"; PolyPhen-2: "Possibly Damaging"; Align-GVGD: "Class C0"). This variant has been observed to be de novo in an individual affected with nemaline myopathy (PMID: 12921789). This variant is also known as p.Glu241Lys in the literature. ClinVar contains an entry for this variant (Variation ID: 42109). This variant is not present in population databases (ExAC no frequency).

GeneReviews
No classification provided. Condition: Congenital myopathy with fiber type disproportion. Review status: no classification provided. Collection method: literature only. Allele origin: unknown. Not counted in ClinVar's aggregate classification.

Literature cited by the submitters: PubMed 12921789 (cited by Labcorp Genetics (formerly Invitae), Labcorp); PubMed 15468086 (cited by GeneReviews); PubMed 20301436 (cited by GeneReviews); NCBI Bookshelf NBK1259 (cited by GeneReviews).